The following is an entry in ClinVar:

NM_001013838.3(CARMIL2):c.3939T>C (p.Pro1313=)

Gene: CARMIL2 (capping protein regulator and myosin 1 linker 2; plus strand). Cytogenetic location: 16q22.1.
Variant type: single nucleotide variant.
Coding change: c.3939T>C on transcript NM_001013838.3 (MANE Select); coding-DNA position 3939, T replaced by C.
Protein change: p.Pro1313=; no amino-acid change (proline 1313 retained).
Molecular consequence: synonymous variant.
Genome position (GRCh38, 1-based): chr16:67,656,548, T>C. VCF-style: chr16-67656548-T-C. GRCh37 (hg19) VCF-style: chr16-67690451-T-C.
Other names: p.Pro1313=; c.3831T>C, p.Pro1277= (NM_001317026.3).
Identifiers: ClinVar variation 781208 (VCV000781208.11), dbSNP rs8044797, ClinGen allele CA8114217.
Genomic context (GRCh38, chr16:67,656,548, plus strand): 5'-GCAGCAGTTGAATGCGGAGCTCAGGAGCCGTGGTTGGGGCCAACAGGATGGTCCAGGCCC[T>C]CCCTCCCCTGGTCAAAGCCCAAGTCCCTGCAGAACCAGCCCCTCCCCAGACAGCCTGGGC-3'
Protein context (NP_001013860.1, residues 1303-1323): RGWGQQDGPG[Pro1313=]PSPGQSPSPC

ClinVar aggregate classification (germline): Benign. Review status: criteria provided, multiple submitters, no conflicts (2 of 4 stars). 3 submissions from 3 submitters: Benign (3). Last evaluated 2026-02-01.

Allele frequency attached by ClinVar (database versions not stated): gnomAD exomes 0.00110 and 0.00244; ExAC 0.00297; ESP Exome Variant Server 0.00956; gnomAD 0.01049 and 0.01135; 1000 Genomes Project 0.01138; 1000 Genomes Project 30x 0.01171; TOPMed 0.01207.
gnomAD v4.1: 3,248 of 1,613,150 alleles (0.2%); highest among the groups gnomAD compares: African/African-American, 3.9%; 60 homozygotes.

Submissions (3):

Labcorp Genetics (formerly Invitae), Labcorp
Classification: Benign. Last evaluated: 2026-02-01. Review status: criteria provided, single submitter. Criteria: Invitae Variant Classification Sherloc (09022015). Collection method: clinical testing. Allele origin: germline.

Mayo Clinic Laboratories, Mayo Clinic
Classification: Benign. Last evaluated: 2025-02-25. Review status: criteria provided, single submitter. Criteria: ACMG Guidelines, 2015. Collection method: clinical testing. Allele origin: germline. Observed: 1 variant allele.
Comment: BS1, BS2, BP4, BP7

Breakthrough Genomics
Classification: Benign. Review status: criteria provided, single submitter. Criteria: ACMG Guidelines, 2015. Collection method: not provided. Allele origin: germline. Inheritance: Autosomal recessive inheritance. Affected: yes.